The following is an entry in ClinVar:

NM_019066.5(MAGEL2):c.1493C>G (p.Pro498Arg)

Gene: MAGEL2 (MAGE family member L2; minus strand). Cytogenetic location: 15q11.2.
Variant type: single nucleotide variant.
Coding change: c.1493C>G on transcript NM_019066.5 (MANE Select); coding-DNA position 1493, C replaced by G.
Protein change: p.Pro498Arg; replaces proline 498 with arginine.
Molecular consequence: missense variant.
Genome position (GRCh38, 1-based): chr15:23,646,250, G>C on the plus strand (C>G on the coding strand, the complement: MAGEL2 is on the minus strand). VCF-style: chr15-23646250-G-C. GRCh37 (hg19) VCF-style: chr15-23891397-G-C.
Other names: short protein forms P498R.
Identifiers: ClinVar variation 3350542 (VCV003350542.3).

ClinVar aggregate classification (germline): Uncertain significance. Review status: criteria provided, single submitter (1 of 4 stars). 2 submissions from 2 submitters: Uncertain significance (1). 1 of the submissions does not count toward it. Last evaluated 2024-11-06.

Conditions:
MAGEL2-related disorder. Also called: MAGEL2-related condition.

gnomAD v4.1: 1 of 1,359,786 alleles (0.000074%); highest among the groups gnomAD compares: Non-Finnish European, 0.000094%; no homozygotes.

Submissions (2):

Labcorp Genetics (formerly Invitae), Labcorp
Classification: Uncertain significance. Last evaluated: 2024-11-06. Review status: criteria provided, single submitter. Criteria: Invitae Variant Classification Sherloc (09022015). Collection method: clinical testing. Allele origin: germline.
Comment: This sequence change replaces proline, which is neutral and non-polar, with arginine, which is basic and polar, at codon 498 of the MAGEL2 protein (p.Pro498Arg). This variant is not present in population databases (gnomAD no frequency). This variant has not been reported in the literature in individuals affected with MAGEL2-related conditions. Experimental studies and prediction algorithms are not available or were not evaluated, and the functional significance of this variant is currently unknown. In summary, the available evidence is currently insufficient to determine the role of this variant in disease. Therefore, it has been classified as a Variant of Uncertain Significance.

PreventionGenetics, part of Exact Sciences
Classification: Uncertain significance for MAGEL2-related condition. Last evaluated: 2023-12-14. Review status: no assertion criteria provided. Collection method: clinical testing. Allele origin: germline. Not counted in ClinVar's aggregate classification.
Comment: The MAGEL2 c.1493C>G variant is predicted to result in the amino acid substitution p.Pro498Arg. To our knowledge, this variant has not been reported in the literature or in a large population database, indicating this variant is rare. At this time, the clinical significance of this variant is uncertain due to the absence of conclusive functional and genetic evidence.